The following is an entry in ClinVar:

ClinVar aggregate classification (germline): Benign. Review status: criteria provided, multiple submitters, no conflicts (2 of 4 stars). 2 submissions from 2 submitters: Benign (2). Last evaluated 2026-02-04.

Conditions:
Periodontitis, aggressive. Identifiers: MedGen C0031106, MONDO:0980757.
Haim-Munk syndrome (HMS). Also called: COCHIN JEWISH DISORDER; KERATOSIS PALMOPLANTARIS WITH PERIODONTOPATHIA AND ONYCHOGRYPOSIS. Identifiers: Orphanet 2342, MedGen C1855627, MONDO:0009491, OMIM 245010.
Papillon-Lefèvre syndrome (PALS). Also called: KERATOSIS PALMOPLANTARIS WITH PERIODONTOPATHIA; Papillon-Lefevre Disease. Identifiers: Orphanet 678, MedGen C0030360, MONDO:0009490, OMIM 245000.

Allele frequency attached by ClinVar (database versions not stated): 1000 Genomes Project 0.06909; gnomAD 0.12743 and 0.12393; 1000 Genomes Project 30x 0.07089; ExAC 0.11392; gnomAD exomes 0.11621 and 0.14200; TOPMed 0.12275; ESP Exome Variant Server 0.13592.

Submissions (2):

Labcorp Genetics (formerly Invitae), Labcorp
Classification: Benign for Haim-Munk syndrome; Periodontitis, aggressive; Papillon-Lefèvre syndrome. Last evaluated: 2026-02-04. Review status: criteria provided, single submitter. Criteria: Invitae Variant Classification Sherloc (09022015). Collection method: clinical testing. Allele origin: germline.

GeneDx
Classification: Benign. Last evaluated: 2017-10-30. Review status: criteria provided, single submitter. Criteria: GeneDx Variant Classification (06012015). Collection method: clinical testing. Allele origin: germline. Affected: yes.
Comment: This variant is considered likely benign or benign based on one or more of the following criteria: it is a conservative change, it occurs at a poorly conserved position in the protein, it is predicted to be benign by multiple in silico algorithms, and/or has population frequency not consistent with disease.

NM_001814.6(CTSC):c.458= (p.Ile153=)

Gene: CTSC (cathepsin C; minus strand). Cytogenetic location: 11q14.2.
Variant type: single nucleotide variant.
Coding change: c.458= on transcript NM_001814.6 (MANE Select); coding-DNA position 458, no change from the reference sequence.
Protein change: p.Ile153=; no amino-acid change (isoleucine 153 retained).
Molecular consequence: no sequence alteration.
Genome position: GRCh38 VCF-style: chr11-88312415-A-A. GRCh37 (hg19) VCF-style: chr11-88045583-A-A.
Other names: c.458C>T (LRG_50t1).
Identifiers: ClinVar variation 466228 (VCV000466228.12), dbSNP rs217086.